The following is an entry in ClinVar:

ClinVar aggregate classification (germline): Uncertain significance (1 of 4 stars; one submission).

Conditions:
Hypermethioninemia with deficiency of S-adenosylhomocysteine hydrolase. Identifiers: Orphanet 88618, MedGen C3151058, MONDO:0013404, OMIM 613752.

gnomAD v4.1: 1 of 1,614,010 alleles (0.000062%); highest among the groups gnomAD compares: Admixed American, 0.0017%; no homozygotes.

Submission:

Labcorp Genetics (formerly Invitae), Labcorp
Classification: Uncertain significance for Hypermethioninemia with deficiency of S-adenosylhomocysteine hydrolase. Last evaluated: 2021-12-23. Review status: criteria provided, single submitter. Criteria: Invitae Variant Classification Sherloc (09022015). Collection method: clinical testing. Allele origin: germline.
Comment: This sequence change replaces leucine, which is neutral and non-polar, with phenylalanine, which is neutral and non-polar, at codon 67 of the AHCY protein (p.Leu67Phe). The frequency data for this variant in the population databases is considered unreliable, as metrics indicate poor data quality at this position in the gnomAD database. This variant has not been reported in the literature in individuals affected with AHCY-related conditions. Algorithms developed to predict the effect of missense changes on protein structure and function are either unavailable or do not agree on the potential impact of this missense change (SIFT: "Not Available"; PolyPhen-2: "Probably Damaging"; Align-GVGD: "Not Available"). In summary, the available evidence is currently insufficient to determine the role of this variant in disease. Therefore, it has been classified as a Variant of Uncertain Significance.

NM_000687.4(AHCY):c.199C>T (p.Leu67Phe)

Gene: AHCY (adenosylhomocysteinase; minus strand). Cytogenetic location: 20q11.22.
Variant type: single nucleotide variant.
Coding change: c.199C>T on transcript NM_000687.4 (MANE Select); coding-DNA position 199, C replaced by T.
Protein change: p.Leu67Phe; replaces leucine 67 with phenylalanine.
Molecular consequence: missense variant.
Genome position (GRCh38, 1-based): chr20:34,295,415, G>A on the plus strand (C>T on the coding strand, the complement: AHCY is on the minus strand). VCF-style: chr20-34295415-G-A. GRCh37 (hg19) VCF-style: chr20-32883221-G-A.
Other names: c.115C>T, p.Leu39Phe (NM_001161766.2, NM_001322084.2, NM_001322085.2); c.205C>T, p.Leu69Phe (NM_001322086.2); c.199C>T, p.Leu67Phe (NM_001362750.2); short protein forms L67F, L39F, L69F.
Identifiers: ClinVar variation 1901543 (VCV001901543.4), dbSNP rs1258780277, ClinGen allele CA408660787.
Genomic context (GRCh38, chr20:34,295,415, plus strand): 5'-GAGGGCAAGGACTCTGGGGTGATACAGCTGTGGGCCTCACCTCAGCACCCAGGGTGACGA[G>A]GGTCTCAATGAGGACGGCCGTCTCCACGGTCATGTGCAGGCAGCCAGCGATGCGGGCGCC-3'
Protein context (NP_000678.1, residues 57-77): TVETAVLIET[Leu67Phe]VTLGAEVQWS